The following is an entry in ClinVar:

ClinVar aggregate classification (germline): Uncertain significance (1 of 4 stars; one submission).

Conditions:
Charcot-Marie-Tooth disease X-linked dominant 6. Also called: CHARCOT-MARIE-TOOTH NEUROPATHY, X-LINKED DOMINANT, 6. Identifiers: Orphanet 352675, MedGen C3806702, MONDO:0010479, OMIM 300905.

Submission:

Labcorp Genetics (formerly Invitae), Labcorp
Classification: Uncertain significance for Charcot-Marie-Tooth disease X-linked dominant 6. Last evaluated: 2017-08-06. Review status: criteria provided, single submitter. Criteria: Invitae Variant Classification Sherloc (09022015). Collection method: clinical testing. Allele origin: germline.
Comment: In summary, the available evidence is currently insufficient to determine the role of this variant in disease. Therefore, it has been classified as a Variant of Uncertain Significance. Algorithms developed to predict the effect of missense changes on protein structure and function (SIFT, PolyPhen-2, Align-GVGD) all suggest that this variant is likely to be tolerated, but these predictions have not been confirmed by published functional studies and their clinical significance is uncertain. This variant has not been reported in the literature in individuals with PDK3-related disease. This variant is not present in population databases (ExAC no frequency). This sequence change replaces threonine with arginine at codon 203 of the PDK3 protein (p.Thr203Arg). The threonine residue is moderately conserved and there is a moderate physicochemical difference between threonine and arginine.

NM_005391.5(PDK3):c.608C>G (p.Thr203Arg)

Gene: PDK3 (pyruvate dehydrogenase kinase 3; plus strand). Cytogenetic location: Xp22.11.
Variant type: single nucleotide variant.
Coding change: c.608C>G on transcript NM_005391.5 (MANE Select); coding-DNA position 608, C replaced by G.
Protein change: p.Thr203Arg; replaces threonine 203 with arginine.
Molecular consequence: missense variant.
Genome position (GRCh38, 1-based): chrX:24,518,945, C>G. VCF-style: chrX-24518945-C-G. GRCh37 (hg19) VCF-style: chrX-24537062-C-G.
Other names: c.608C>G, p.Thr203Arg (NM_001142386.3); short protein forms T203R.
Identifiers: ClinVar variation 541112 (VCV000541112.8), dbSNP rs1555949588, ClinGen allele CA412602235.
Genomic context (GRCh38, chrX:24,518,945, plus strand): 5'-GTGCCTATGTTATTAGTACAGCAGCTAAACTTTTTCCTTTTCTTGCAGATGCATATGAAA[C>G]AGCCAAGATGCTGTGTGAACAGTATTACCTGGTAGCTCCAGAGCTGGAAGTTGAAGAATT-3'
Protein context (NP_005382.1, residues 193-213): VADVVKDAYE[Thr203Arg]AKMLCEQYYL